The following is an entry in ClinVar:

ClinVar aggregate classification (germline): Uncertain significance. Review status: criteria provided, multiple submitters, no conflicts (2 of 4 stars). 4 submissions from 4 submitters: Uncertain significance (4). Last evaluated 2025-11-17.

Conditions:
Inborn genetic diseases. Identifiers: MedGen C0950123, MeSH D030342.
Occipital pachygyria and polymicrogyria. Identifiers: Orphanet 280640, MedGen C3279875, MONDO:0013583, OMIM 614115.

Allele frequency attached by ClinVar (database versions not stated): TOPMed 0.00009; gnomAD 0.00011 and 0.00009; ExAC 0.00009.
gnomAD v4.1: 343 of 1,613,044 alleles (0.021%); highest among the groups gnomAD compares: Non-Finnish European, 0.027%; no homozygotes.

Submissions (4):

GeneDx
Classification: Uncertain significance. Last evaluated: 2025-11-17. Review status: criteria provided, single submitter. Criteria: GeneDx Variant Classification Process June 2021. Collection method: clinical testing. Allele origin: germline.
Comment: In silico analysis supports that this missense variant has a deleterious effect on protein structure/function; Has not been previously published as pathogenic or benign to our knowledge

Revvity Omics, Revvity
Classification: Uncertain significance for Occipital pachygyria and polymicrogyria. Last evaluated: 2025-01-06. Review status: criteria provided, single submitter. Criteria: ACMG Guidelines, 2015. Collection method: clinical testing. Allele origin: germline.

Labcorp Genetics (formerly Invitae), Labcorp
Classification: Uncertain significance. Last evaluated: 2022-08-31. Review status: criteria provided, single submitter. Criteria: Invitae Variant Classification Sherloc (09022015). Collection method: clinical testing. Allele origin: germline.
Comment: This sequence change replaces glycine, which is neutral and non-polar, with serine, which is neutral and polar, at codon 298 of the LAMC3 protein (p.Gly298Ser). This variant is present in population databases (rs770821992, gnomAD 0.03%). This variant has not been reported in the literature in individuals affected with LAMC3-related conditions. ClinVar contains an entry for this variant (Variation ID: 1043454). Algorithms developed to predict the effect of missense changes on protein structure and function (SIFT, PolyPhen-2, Align-GVGD) all suggest that this variant is likely to be disruptive. In summary, the available evidence is currently insufficient to determine the role of this variant in disease. Therefore, it has been classified as a Variant of Uncertain Significance.

Ambry Genetics
Classification: Uncertain significance for Inborn genetic diseases. Last evaluated: 2021-08-12. Review status: criteria provided, single submitter. Criteria: Ambry Variant Classification Scheme 2023. Collection method: clinical testing. Allele origin: germline.

NM_006059.4(LAMC3):c.892G>A (p.Gly298Ser)

Gene: LAMC3 (laminin subunit gamma 3; plus strand). Cytogenetic location: 9q34.12.
Variant type: single nucleotide variant.
Coding change: c.892G>A on transcript NM_006059.4 (MANE Select); coding-DNA position 892, G replaced by A.
Protein change: p.Gly298Ser; replaces glycine 298 with serine.
Molecular consequence: missense variant.
Genome position (GRCh38, 1-based): chr9:131,036,248, G>A. VCF-style: chr9-131036248-G-A. GRCh37 (hg19) VCF-style: chr9-133911635-G-A.
Other names: c.892G>A (NM_006059.3); short protein forms G298S.
Identifiers: ClinVar variation 1043454 (VCV001043454.7), dbSNP rs770821992, ClinGen allele CA5286858.